The following is an entry in ClinVar:

ClinVar aggregate classification (germline): Pathogenic/Likely pathogenic. Review status: criteria provided, multiple submitters, no conflicts (2 of 4 stars). 2 submissions from 2 submitters: Pathogenic (1); Likely pathogenic (1). Last evaluated 2024-09-05.

Conditions:
Hereditary spastic paraplegia 4. Also called: Familial spastic paraplegia autosomal dominant 2; Spastic paraplegia 4, autosomal dominant; Spastic Paraplegia 4. Identifiers: Orphanet 100985, MedGen C1866855, MONDO:0008438, OMIM 182601.

Submissions (2):

Athena Diagnostics
Classification: Pathogenic. Last evaluated: 2024-09-05. Review status: criteria provided, single submitter. Criteria: Athena Diagnostics Criteria. Collection method: clinical testing. Allele origin: unknown.
Comment: This variant is expected to severely impact normal RNA splicing, and consequently, protein structure and/or function. This variant has not been reported in large, multi-ethnic general populations. This variant has been identified in at least one individual tested at Athena Diagnostics with clinical features associated with this gene.

Labcorp Genetics (formerly Invitae), Labcorp
Classification: Likely pathogenic for Hereditary spastic paraplegia 4. Last evaluated: 2018-01-20. Review status: criteria provided, single submitter. Criteria: Invitae Variant Classification Sherloc (09022015). Collection method: clinical testing. Allele origin: germline.
Comment: In summary, the currently available evidence indicates that the variant is pathogenic, but additional data are needed to prove that conclusively. Therefore, this variant has been classified as Likely Pathogenic. Donor and acceptor splice site variants typically lead to a loss of protein function (PMID: 16199547), and loss-of-function variants in SPAST are known to be pathogenic (PMID: 20932283). This variant has not been reported in the literature in individuals with SPAST-related disease. This variant is not present in population databases (ExAC no frequency). This sequence change affects a donor splice site in intron 11 of the SPAST gene. It is expected to disrupt RNA splicing and likely results in an absent or disrupted protein product.

Literature cited by the submitters: PubMed 16199547 (cited by Labcorp Genetics (formerly Invitae), Labcorp); PubMed 20932283 (cited by Labcorp Genetics (formerly Invitae), Labcorp).

NM_014946.4(SPAST):c.1398_1413+1dup

Gene: SPAST (spastin; plus strand). Cytogenetic location: 2p22.3.
Variant type: Duplication.
Coding change: c.1398_1413+1dup on transcript NM_014946.4 (MANE Select); coding-DNA position 1398 through the canonical splice donor site of the intron after coding-DNA position 1413, 17 bases duplicated (AATAGAATTTGATGGTG).
Molecular consequence: splice donor variant.
Genome position (GRCh38, 1-based): chr2:32,136,953-32,136,969, AATAGAATTTGATGGTG duplicated. VCF-style (leftmost placement, unchanged base first): chr2-32136952-T-TAATAGAATTTGATGGTG. GRCh37 (hg19) VCF-style: chr2-32362021-T-TAATAGAATTTGATGGTG.
Other names: c.1302_1317+1dup (NM_199436.2, NM_001377959.1); c.1395_1410+1dup (NM_001363823.2); c.1299_1314+1dup (NM_001363875.2).
Identifiers: ClinVar variation 577542 (VCV000577542.7), dbSNP rs1558336927, ClinGen allele CA891843421.
Genomic context (GRCh38, chr2:32,136,952, plus strand): 5'-TTTTGTGTGAAAGAAGAGAAGGGGAGCACGATGCTAGTAGACGCCTAAAAACTGAATTTC[T>TAATAGAATTTGATGGTG]AATAGAATTTGATGGTGTAAGTGTTGATTATGATATTTTTAATGTGGCAGCATTTTAGTA-3'